The following is an entry in ClinVar:

ClinVar aggregate classification (germline): Uncertain significance (1 of 4 stars; one submission).

Conditions:
Dyskeratosis congenita. Identifiers: Orphanet 1775, MedGen C0265965, MONDO:0015780.

Allele frequency attached by ClinVar (database versions not stated): gnomAD exomes below 0.00001.
gnomAD v4.1: 1 of 1,613,760 alleles (0.000062%); highest among the groups gnomAD compares: Non-Finnish European, 0.000085%; no homozygotes.

Submission:

Labcorp Genetics (formerly Invitae), Labcorp
Classification: Uncertain significance for Dyskeratosis congenita. Last evaluated: 2022-05-30. Review status: criteria provided, single submitter. Criteria: Invitae Variant Classification Sherloc (09022015). Collection method: clinical testing. Allele origin: germline.
Comment: This sequence change replaces leucine, which is neutral and non-polar, with phenylalanine, which is neutral and non-polar, at codon 391 of the CTC1 protein (p.Leu391Phe). This variant is not present in population databases (gnomAD no frequency). This variant has not been reported in the literature in individuals affected with CTC1-related conditions. Algorithms developed to predict the effect of missense changes on protein structure and function output the following: SIFT: "Tolerated"; PolyPhen-2: "Benign"; Align-GVGD: "Class C0". The phenylalanine amino acid residue is found in multiple mammalian species, which suggests that this missense change does not adversely affect protein function. In summary, the available evidence is currently insufficient to determine the role of this variant in disease. Therefore, it has been classified as a Variant of Uncertain Significance.

NM_025099.6(CTC1):c.1171C>T (p.Leu391Phe)

Gene: CTC1 (CST telomere replication complex component 1; minus strand). Cytogenetic location: 17p13.1.
Variant type: single nucleotide variant.
Coding change: c.1171C>T on transcript NM_025099.6 (MANE Select); coding-DNA position 1171, C replaced by T.
Protein change: p.Leu391Phe; replaces leucine 391 with phenylalanine.
Molecular consequence: missense variant. On other transcripts: non-coding transcript variant (1).
Genome position (GRCh38, 1-based): chr17:8,235,866, G>A on the plus strand (C>T on the coding strand, the complement: CTC1 is on the minus strand). VCF-style: chr17-8235866-G-A. GRCh37 (hg19) VCF-style: chr17-8139184-G-A.
Other names: c.1171C>T, p.Leu391Phe (NM_001411067.1); short protein forms L391F.
Identifiers: ClinVar variation 2154451 (VCV002154451.4), dbSNP rs2507928926, ClinGen allele CA397986706.